The following is an entry in ClinVar:

ClinVar aggregate classification (germline): Uncertain significance. Review status: criteria provided, multiple submitters, no conflicts (2 of 4 stars). 2 submissions from 2 submitters: Uncertain significance (2). Last evaluated 2025-07-28.

Conditions:
Chédiak-Higashi syndrome (CHS). Also called: Chediak-Higashi Syndrome. Identifiers: Orphanet 167, MedGen C0007965, MONDO:0008963, OMIM 214500.

Allele frequency attached by ClinVar (database versions not stated): ExAC 0.00002.
gnomAD v4.1: 14 of 1,597,494 alleles (0.00088%); highest among the groups gnomAD compares: South Asian, 0.013%; no homozygotes.

Submissions (2):

Labcorp Genetics (formerly Invitae), Labcorp
Classification: Uncertain significance for Chédiak-Higashi syndrome. Last evaluated: 2025-07-28. Review status: criteria provided, single submitter. Criteria: Invitae Variant Classification Sherloc (09022015). Collection method: clinical testing. Allele origin: germline.
Comment: This sequence change replaces glutamic acid, which is acidic and polar, with aspartic acid, which is acidic and polar, at codon 1357 of the LYST protein (p.Glu1357Asp). This variant is present in population databases (rs773229263, gnomAD 0.01%). This variant has not been reported in the literature in individuals affected with LYST-related conditions. ClinVar contains an entry for this variant (Variation ID: 1025576). Invitae Evidence Modeling of protein sequence and biophysical properties (such as structural, functional, and spatial information, amino acid conservation, physicochemical variation, residue mobility, and thermodynamic stability) indicates that this missense variant is not expected to disrupt LYST protein function with a negative predictive value of 80%. In summary, the available evidence is currently insufficient to determine the role of this variant in disease. Therefore, it has been classified as a Variant of Uncertain Significance.

Revvity Omics, Revvity
Classification: Uncertain significance for Chédiak-Higashi syndrome. Last evaluated: 2020-04-03. Review status: criteria provided, single submitter. Criteria: ACMG Guidelines, 2015. Collection method: clinical testing. Allele origin: germline.

NM_000081.4(LYST):c.4071G>C (p.Glu1357Asp)

Gene: LYST (lysosomal trafficking regulator; minus strand). Cytogenetic location: 1q42.3.
Variant type: single nucleotide variant.
Coding change: c.4071G>C on transcript NM_000081.4 (MANE Select); coding-DNA position 4071, G replaced by C.
Protein change: p.Glu1357Asp; replaces glutamic acid 1357 with aspartic acid.
Molecular consequence: missense variant.
Genome position (GRCh38, 1-based): chr1:235,793,548, C>G on the plus strand (G>C on the coding strand, the complement: LYST is on the minus strand). VCF-style: chr1-235793548-C-G. GRCh37 (hg19) VCF-style: chr1-235956848-C-G.
Other names: c.4071G>C, p.Glu1357Asp (NM_001301365.1); short protein forms E1357D.
Identifiers: ClinVar variation 1025576 (VCV001025576.9), dbSNP rs773229263, ClinGen allele CA1466928.